The following is an entry in ClinVar:

NC_000017.10:g.(?_41228485)_(41228666_?)del

Gene: BRCA1 (BRCA1 DNA repair associated; minus strand). Cytogenetic location: 17q21.31.
Variant type: Deletion.
Identifiers: ClinVar variation 3242980 (VCV003242980.1).

ClinVar aggregate classification (germline): Pathogenic (1 of 4 stars; one submission).

Conditions:
Hereditary breast ovarian cancer syndrome. Also called: Hereditary breast and ovarian cancer syndrome; Hereditary breast and ovarian cancer; Hereditary breast and ovarian cancer syndrome (HBOC); Breast and ovarian cancer; Hereditary breast and/or ovarian cancer syndrome; BRCA1- and BRCA2-Associated Hereditary Breast and Ovarian Cancer. Identifiers: Orphanet 145, MedGen C0677776, MeSH D061325, MONDO:0003582. Disease mechanism: loss of function.

Submission:

Labcorp Genetics (formerly Invitae), Labcorp
Classification: Pathogenic for Hereditary breast ovarian cancer syndrome. Last evaluated: 2024-01-24. Review status: criteria provided, single submitter. Criteria: Invitae Variant Classification Sherloc (09022015). Collection method: clinical testing. Allele origin: unknown.
Comment: This variant is a gross deletion of the genomic region encompassing exon(s) 13 of the BRCA1 gene. This deletion is out-of-frame, and is expected to create a premature termination codon and result in an absent or disrupted protein product. Loss-of-function variants in BRCA1 are known to be pathogenic (PMID: 20104584). This variant has not been reported in the literature in individuals affected with BRCA1-related conditions. For these reasons, this variant has been classified as Pathogenic.

Literature cited by the submitters: PubMed 20104584.